The following is an entry in ClinVar:

ClinVar aggregate classification (germline): Uncertain significance. Review status: criteria provided, multiple submitters, no conflicts (2 of 4 stars). 2 submissions from 2 submitters: Uncertain significance (2). Last evaluated 2024-02-05.

Allele frequency attached by ClinVar (database versions not stated): ExAC 0.00004.
gnomAD v4.1: 44 of 1,608,122 alleles (0.0027%); highest among the groups gnomAD compares: South Asian, 0.019%; no homozygotes.

Submissions (2):

Labcorp Genetics (formerly Invitae), Labcorp
Classification: Uncertain significance. Last evaluated: 2024-02-05. Review status: criteria provided, single submitter. Criteria: Invitae Variant Classification Sherloc (09022015). Collection method: clinical testing. Allele origin: germline.
Comment: This sequence change replaces arginine, which is basic and polar, with histidine, which is basic and polar, at codon 108 of the AK7 protein (p.Arg108His). This variant is present in population databases (rs373883064, gnomAD 0.02%). This variant has not been reported in the literature in individuals affected with AK7-related conditions. ClinVar contains an entry for this variant (Variation ID: 2513875). Advanced modeling of protein sequence and biophysical properties (such as structural, functional, and spatial information, amino acid conservation, physicochemical variation, residue mobility, and thermodynamic stability) performed at Invitae indicates that this missense variant is not expected to disrupt AK7 protein function with a negative predictive value of 80%. In summary, the available evidence is currently insufficient to determine the role of this variant in disease. Therefore, it has been classified as a Variant of Uncertain Significance.

Ambry Genetics
Classification: Uncertain significance. Last evaluated: 2023-05-24. Review status: criteria provided, single submitter. Criteria: Ambry Variant Classification Scheme 2023. Collection method: clinical testing. Allele origin: germline.

NM_152327.5(AK7):c.323G>A (p.Arg108His)

Gene: AK7 (adenylate kinase 7; plus strand). Cytogenetic location: 14q32.2.
Variant type: single nucleotide variant.
Coding change: c.323G>A on transcript NM_152327.5 (MANE Select); coding-DNA position 323, G replaced by A.
Protein change: p.Arg108His; replaces arginine 108 with histidine.
Molecular consequence: missense variant.
Genome position (GRCh38, 1-based): chr14:96,404,785, G>A. VCF-style: chr14-96404785-G-A. GRCh37 (hg19) VCF-style: chr14-96871122-G-A.
Other names: c.323G>A, p.Arg108His (NM_001350891.2, NM_001350892.2, NM_001350888.2 and 1 more transcripts); short protein forms R108H.
Identifiers: ClinVar variation 2513875 (VCV002513875.5), dbSNP rs373883064, ClinGen allele CA7337443.
Genomic context (GRCh38, chr14:96,404,785, plus strand): 5'-TGCTGCAAATGGCTGTCAATTTTCTTTTTCAGGCCATCTCTCGAGAAGACCTTCTCATGC[G>A]CCTGCTGGAGTGTGATGTTATTATTTATAACATCACTGAGAGCTCACAGCAAATGGAGGA-3'
Protein context (NP_689540.2, residues 98-118): SAISREDLLM[Arg108His]LLECDVIIYN